The following is an entry in ClinVar:

ClinVar aggregate classification (germline): Likely benign (1 of 4 stars; one submission).

Allele frequency attached by ClinVar (database versions not stated): 1000 Genomes Project 0.00339; 1000 Genomes Project 30x 0.00375; gnomAD 0.00383; ExAC 0.00389; TOPMed 0.00399; ESP Exome Variant Server 0.00423; gnomAD exomes 0.00545.
gnomAD v4.1: 8,418 of 1,613,928 alleles (0.52%); highest among the groups gnomAD compares: Non-Finnish European, 0.63%; 36 homozygotes.

Submissions (27):

CeGaT Center for Human Genetics Tuebingen
Classification: Likely benign. Last evaluated: 2022-12-01. Review status: criteria provided, single submitter. Criteria: CeGaT Center For Human Genetics Tuebingen Variant Classification Criteria Version 2. Collection method: clinical testing. Allele origin: germline. Affected: yes. Observed: 1 variant allele.
Comment: FARP1: BP4, BP7, BS2

Dr. Peter K. Rogan Lab, Western University
No classification provided (evidence only). Condition: Clear cell carcinoma of kidney. Review status: no classification provided. Collection method: in vitro. Allele origin: not applicable. Functional consequence: retained intron. Not counted in ClinVar's aggregate classification.

Dr. Peter K. Rogan Lab, Western University
No classification provided (evidence only). Condition: Clear cell carcinoma of kidney. Review status: no classification provided. Collection method: in vitro. Allele origin: not applicable. Functional consequence: retained intron. Not counted in ClinVar's aggregate classification.

Dr. Peter K. Rogan Lab, Western University
No classification provided (evidence only). Condition: Clear cell carcinoma of kidney. Review status: no classification provided. Collection method: in vitro. Allele origin: not applicable. Functional consequence: retained intron. Not counted in ClinVar's aggregate classification.

Dr. Peter K. Rogan Lab, Western University
No classification provided (evidence only). Condition: Lung cancer. Review status: no classification provided. Collection method: in vitro. Allele origin: not applicable. Functional consequence: retained intron. Not counted in ClinVar's aggregate classification.

Dr. Peter K. Rogan Lab, Western University
No classification provided (evidence only). Condition: Lung cancer. Review status: no classification provided. Collection method: in vitro. Allele origin: not applicable. Functional consequence: retained intron. Not counted in ClinVar's aggregate classification.

Dr. Peter K. Rogan Lab, Western University
No classification provided (evidence only). Condition: Lung cancer. Review status: no classification provided. Collection method: in vitro. Allele origin: not applicable. Functional consequence: retained intron. Not counted in ClinVar's aggregate classification.

Dr. Peter K. Rogan Lab, Western University
No classification provided (evidence only). Condition: Melanoma. Review status: no classification provided. Collection method: in vitro. Allele origin: not applicable. Functional consequence: retained intron. Not counted in ClinVar's aggregate classification.

Dr. Peter K. Rogan Lab, Western University
No classification provided (evidence only). Condition: Melanoma. Review status: no classification provided. Collection method: in vitro. Allele origin: not applicable. Functional consequence: retained intron. Not counted in ClinVar's aggregate classification.

Dr. Peter K. Rogan Lab, Western University
No classification provided (evidence only). Condition: Melanoma. Review status: no classification provided. Collection method: in vitro. Allele origin: not applicable. Functional consequence: skipped exon, retained intron. Not counted in ClinVar's aggregate classification.

Dr. Peter K. Rogan Lab, Western University
No classification provided (evidence only). Condition: Familial cancer of breast. Review status: no classification provided. Collection method: in vitro. Allele origin: not applicable. Functional consequence: retained intron. Not counted in ClinVar's aggregate classification.

Dr. Peter K. Rogan Lab, Western University
No classification provided (evidence only). Condition: Familial cancer of breast. Review status: no classification provided. Collection method: in vitro. Allele origin: not applicable. Functional consequence: skipped exon, retained intron. Not counted in ClinVar's aggregate classification.

Dr. Peter K. Rogan Lab, Western University
No classification provided (evidence only). Condition: Familial cancer of breast. Review status: no classification provided. Collection method: in vitro. Allele origin: not applicable. Functional consequence: skipped exon, retained intron. Not counted in ClinVar's aggregate classification.

Dr. Peter K. Rogan Lab, Western University
No classification provided (evidence only). Condition: Familial cancer of breast. Review status: no classification provided. Collection method: in vitro. Allele origin: not applicable. Functional consequence: retained intron. Not counted in ClinVar's aggregate classification.

Dr. Peter K. Rogan Lab, Western University
No classification provided (evidence only). Condition: Colon adenocarcinoma. Review status: no classification provided. Collection method: in vitro. Allele origin: not applicable. Functional consequence: retained intron. Not counted in ClinVar's aggregate classification.

Dr. Peter K. Rogan Lab, Western University
No classification provided (evidence only). Condition: Colorectal cancer. Review status: no classification provided. Collection method: in vitro. Allele origin: not applicable. Functional consequence: retained intron. Not counted in ClinVar's aggregate classification.

Dr. Peter K. Rogan Lab, Western University
No classification provided (evidence only). Condition: Colorectal cancer. Review status: no classification provided. Collection method: in vitro. Allele origin: not applicable. Functional consequence: retained intron. Not counted in ClinVar's aggregate classification.

Dr. Peter K. Rogan Lab, Western University
No classification provided (evidence only). Condition: Thyroid cancer, nonmedullary, 1. Review status: no classification provided. Collection method: in vitro. Allele origin: not applicable. Functional consequence: retained intron. Not counted in ClinVar's aggregate classification.

Dr. Peter K. Rogan Lab, Western University
No classification provided (evidence only). Condition: Thyroid cancer, nonmedullary, 1. Review status: no classification provided. Collection method: in vitro. Allele origin: not applicable. Functional consequence: retained intron. Not counted in ClinVar's aggregate classification.

Dr. Peter K. Rogan Lab, Western University
No classification provided (evidence only). Condition: Uterine corpus endometrial carcinoma. Review status: no classification provided. Collection method: in vitro. Allele origin: not applicable. Functional consequence: retained intron. Not counted in ClinVar's aggregate classification.

Dr. Peter K. Rogan Lab, Western University
No classification provided (evidence only). Condition: Malignant lymphoma, large B-cell, diffuse. Review status: no classification provided. Collection method: in vitro. Allele origin: not applicable. Functional consequence: retained intron. Not counted in ClinVar's aggregate classification.

Dr. Peter K. Rogan Lab, Western University
No classification provided (evidence only). Condition: Hepatocellular carcinoma. Review status: no classification provided. Collection method: in vitro. Allele origin: not applicable. Functional consequence: retained intron. Not counted in ClinVar's aggregate classification.

Dr. Peter K. Rogan Lab, Western University
No classification provided (evidence only). Condition: Thymoma. Review status: no classification provided. Collection method: in vitro. Allele origin: not applicable. Functional consequence: retained intron. Not counted in ClinVar's aggregate classification.

Dr. Peter K. Rogan Lab, Western University
No classification provided (evidence only). Condition: Ovarian serous cystadenocarcinoma. Review status: no classification provided. Collection method: in vitro. Allele origin: not applicable. Functional consequence: retained intron. Not counted in ClinVar's aggregate classification.

Dr. Peter K. Rogan Lab, Western University
No classification provided (evidence only). Condition: Ovarian serous cystadenocarcinoma. Review status: no classification provided. Collection method: in vitro. Allele origin: not applicable. Functional consequence: retained intron. Not counted in ClinVar's aggregate classification.

Dr. Peter K. Rogan Lab, Western University
No classification provided (evidence only). Condition: Adrenocortical carcinoma, hereditary. Review status: no classification provided. Collection method: in vitro. Allele origin: not applicable. Functional consequence: retained intron. Not counted in ClinVar's aggregate classification.

Dr. Peter K. Rogan Lab, Western University
No classification provided (evidence only). Condition: Uveal melanoma. Review status: no classification provided. Collection method: in vitro. Allele origin: not applicable. Functional consequence: retained intron. Not counted in ClinVar's aggregate classification.

NM_005766.4(FARP1):c.450G>A (p.Thr150=)

Gene: FARP1 (FERM, ARH/RhoGEF and pleckstrin domain protein 1; plus strand). Cytogenetic location: 13q32.2.
Variant type: single nucleotide variant.
Coding change: c.450G>A on transcript NM_005766.4 (MANE Select); coding-DNA position 450, G replaced by A.
Protein change: p.Thr150=; no amino-acid change (threonine 150 retained).
Molecular consequence: synonymous variant.
Genome position (GRCh38, 1-based): chr13:98,377,872, G>A. VCF-style: chr13-98377872-G-A. GRCh37 (hg19) VCF-style: chr13-99030126-G-A.
Other names: NC_000013.10:g.99030126G>A; c.450G>A, p.Thr150= (NM_001286839.2).
Identifiers: ClinVar variation 2643884 (VCV002643884.25), dbSNP rs75258648, ClinGen allele CA7025875.